The following is an entry in ClinVar:

NM_021961.6(TEAD1):c.704A>G (p.Asn235Ser)

Gene: TEAD1 (TEA domain transcription factor 1; plus strand). Cytogenetic location: 11p15.3.
Variant type: single nucleotide variant.
Coding change: c.704A>G on transcript NM_021961.6 (MANE Select); coding-DNA position 704, A replaced by G.
Protein change: p.Asn235Ser; replaces asparagine 235 with serine.
Molecular consequence: missense variant.
Genome position (GRCh38, 1-based): chr11:12,901,944, A>G. VCF-style: chr11-12901944-A-G. GRCh37 (hg19) VCF-style: chr11-12923491-A-G.
Other names: short protein forms N235S.
Identifiers: ClinVar variation 834736 (VCV000834736.11), dbSNP rs199983484, ClinGen allele CA5891727.

ClinVar aggregate classification (germline): Uncertain significance. Review status: criteria provided, multiple submitters, no conflicts (2 of 4 stars). 2 submissions from 2 submitters: Uncertain significance (2). Last evaluated 2025-12-30.

Conditions:
Inborn genetic diseases. Identifiers: MedGen C0950123, MeSH D030342.

Allele frequency attached by ClinVar (database versions not stated): gnomAD 0.00002 and 0.00003; gnomAD exomes 0.00003 and 0.00011; TOPMed 0.00003; ExAC 0.00006; ESP Exome Variant Server 0.00008; 1000 Genomes Project 30x 0.00016; 1000 Genomes Project 0.00020.
gnomAD v4.1: 163 of 1,614,186 alleles (0.01%); highest among the groups gnomAD compares: Non-Finnish European, 0.013%; no homozygotes.

Submissions (2):

Labcorp Genetics (formerly Invitae), Labcorp
Classification: Uncertain significance. Last evaluated: 2025-12-30. Review status: criteria provided, single submitter. Criteria: Invitae Variant Classification Sherloc (09022015). Collection method: clinical testing. Allele origin: germline.
Comment: This sequence change replaces asparagine, which is neutral and polar, with serine, which is neutral and polar, at codon 235 of the TEAD1 protein (p.Asn235Ser). This variant is present in population databases (rs199983484, gnomAD 0.008%). This variant has not been reported in the literature in individuals affected with TEAD1-related conditions. ClinVar contains an entry for this variant (Variation ID: 834736). Invitae Evidence Modeling of protein sequence and biophysical properties (such as structural, functional, and spatial information, amino acid conservation, physicochemical variation, residue mobility, and thermodynamic stability) indicates that this missense variant is not expected to disrupt TEAD1 protein function with a negative predictive value of 80%. Algorithms developed to predict the effect of sequence changes on RNA splicing suggest that this variant may create or strengthen a splice site. In summary, the available evidence is currently insufficient to determine the role of this variant in disease. Therefore, it has been classified as a Variant of Uncertain Significance.

Ambry Genetics
Classification: Uncertain significance for Inborn genetic diseases. Last evaluated: 2025-04-11. Review status: criteria provided, single submitter. Criteria: Ambry Variant Classification Scheme 2023. Collection method: clinical testing. Allele origin: germline.